The following is an entry in ClinVar:

NM_177438.3(DICER1):c.1206T>C (p.Asn402=)

Gene: DICER1 (dicer 1, ribonuclease III; minus strand). Cytogenetic location: 14q32.13.
Variant type: single nucleotide variant.
Coding change: c.1206T>C on transcript NM_177438.3 (MANE Select); coding-DNA position 1206, T replaced by C.
Protein change: p.Asn402=; no amino-acid change (asparagine 402 retained).
Molecular consequence: synonymous variant.
Genome position (GRCh38, 1-based): chr14:95,124,366, A>G on the plus strand (T>C on the coding strand, the complement: DICER1 is on the minus strand). VCF-style: chr14-95124366-A-G. GRCh37 (hg19) VCF-style: chr14-95590703-A-G.
Other names: c.1206T>C, p.Asn402= (NM_001195573.1, NM_001271282.3, NM_001291628.2 and 1 more transcripts).
Identifiers: ClinVar variation 729383 (VCV000729383.12), dbSNP rs1595438796, ClinGen allele CA487845236.
Genomic context (GRCh38, chr14:95,124,366, plus strand): 5'-TTCATCCTCATCATCATCCTCAGAATCACTCCATGACACATAATTATCCTGATTTCTATT[A>G]TTATACCACTCAACGCTTTCAAACTGCTGTCGCTCATATGGTTTATATTTGCGTAAGATT-3'
Protein context (NP_803187.1, residues 392-412): RQQFESVEWY[Asn402=]NRNQDNYVSW

ClinVar aggregate classification (germline): Benign/Likely benign. Review status: criteria provided, multiple submitters, no conflicts (2 of 4 stars). 3 submissions from 3 submitters: Benign (1); Likely benign (2). Last evaluated 2026-04-15.

Conditions:
DICER1-related tumor predisposition. Also called: DICER1-related pleuropulmonary blastoma cancer predisposition syndrome; DICER1 syndrome. Identifiers: Orphanet 284343, MedGen C3839822, MONDO:0100216.
Hereditary cancer-predisposing syndrome. Also called: Hereditary Cancer Syndrome; Hereditary neoplastic syndrome; Neoplastic Syndromes, Hereditary; Tumor predisposition. Identifiers: Orphanet 140162, MedGen C0027672, MeSH D009386, MONDO:0015356.

Submissions (3):

Myriad Genetics, Inc.
Classification: Benign for DICER1-related tumor predisposition. Last evaluated: 2026-04-15. Review status: criteria provided, single submitter. Criteria: Myriad Autosomal Dominant, Autosomal Recessive and X-Linked Classification Criteria (2023). Collection method: clinical testing. Allele origin: unknown.
Comment: This variant is considered benign. This variant is a silent/synonymous amino acid change and it is not expected to impact splicing.

Labcorp Genetics (formerly Invitae), Labcorp
Classification: Likely benign for DICER1-related tumor predisposition. Last evaluated: 2025-05-27. Review status: criteria provided, single submitter. Criteria: Invitae Variant Classification Sherloc (09022015). Collection method: clinical testing. Allele origin: germline.

Ambry Genetics
Classification: Likely benign for Hereditary cancer-predisposing syndrome. Last evaluated: 2022-04-12. Review status: criteria provided, single submitter. Criteria: Ambry Variant Classification Scheme 2023. Collection method: clinical testing. Allele origin: germline.